The following is an entry in ClinVar:

NM_021956.5(GRIK2):c.223A>G (p.Thr75Ala)

Gene: GRIK2 (glutamate ionotropic receptor kainate type subunit 2; plus strand). Cytogenetic location: 6q16.3.
Variant type: single nucleotide variant.
Coding change: c.223A>G on transcript NM_021956.5 (MANE Select); coding-DNA position 223, A replaced by G.
Protein change: p.Thr75Ala; replaces threonine 75 with alanine.
Molecular consequence: missense variant.
Genome position (GRCh38, 1-based): chr6:101,622,056, A>G. VCF-style: chr6-101622056-A-G. GRCh37 (hg19) VCF-style: chr6-102069931-A-G.
Other names: c.223A>G, p.Thr75Ala (NM_001166247.1, NM_175768.3); short protein forms T75A.
Identifiers: ClinVar variation 1800801 (VCV001800801.1), dbSNP rs1460077130, ClinGen allele CA365306610.

ClinVar aggregate classification (germline): Uncertain significance (1 of 4 stars; one submission).

Allele frequency attached by ClinVar (database versions not stated): gnomAD 0.00001.
gnomAD v4.1: 1 of 1,602,232 alleles (0.000062%); highest among the groups gnomAD compares: African/African-American, 0.0013%; no homozygotes.

Submission:

GeneDx
Classification: Uncertain significance. Last evaluated: 2022-11-16. Review status: criteria provided, single submitter. Criteria: GeneDx Variant Classification Process June 2021. Collection method: clinical testing. Allele origin: germline. Affected: yes.
Comment: Has not been previously published as pathogenic or benign to our knowledge; In silico analysis supports that this missense variant has a deleterious effect on protein structure/function